The following is an entry in ClinVar:

NM_007078.3(LDB3):c.328G>A (p.Ala110Thr)

Gene: LDB3 (LIM domain binding 3; plus strand). Cytogenetic location: 10q23.2.
Variant type: single nucleotide variant.
Coding change: c.328G>A on transcript NM_007078.3 (MANE Select); coding-DNA position 328, G replaced by A.
Protein change: p.Ala110Thr; replaces alanine 110 with threonine.
Molecular consequence: missense variant. On other transcripts: intron variant (5).
Genome position (GRCh38, 1-based): chr10:86,681,442, G>A. VCF-style: chr10-86681442-G-A. GRCh37 (hg19) VCF-style: chr10-88441199-G-A.
Other names: p.A110T:GCT>ACT; c.328G>A, p.Ala110Thr (NM_001080115.2, NM_001171610.2, NM_001171611.2 and 3 more transcripts); c.321+1285G>A (NM_001368068.1, NM_001368066.1, NM_001080114.2 and 2 more transcripts); short protein forms A110T.
Identifiers: ClinVar variation 201835 (VCV000201835.11), dbSNP rs768737496, ClinGen allele CA308591.
Genomic context (GRCh38, chr10:86,681,442, plus strand): 5'-TGTGGCCTCTAACCGCTCTCTTCTCTCTCCCCTGCATGGCCTGCCCTGTGCCAGGACCCC[G>A]CTCTGGACACGAACGGCAGCCTGGTGGCACCCAGCCCCAGCCCTGAGGCGAGGGCCAGCC-3'
Protein context (NP_009009.1, residues 100-120): LPVIPHQKDP[Ala110Thr]LDTNGSLVAP

ClinVar aggregate classification (germline): Conflicting classifications of pathogenicity. Review status: criteria provided, conflicting classifications (1 of 4 stars). 3 submissions from 3 submitters: Uncertain significance (1); Likely benign (2). Last evaluated 2025-02-02.

Conditions:
Myofibrillar myopathy 4. Also called: Zaspopathy (type). Identifiers: Orphanet 98912, MedGen C4721886, MONDO:0012277, OMIM 609452.
Dilated cardiomyopathy 1C (CMD1C). Also called: CARDIOMYOPATHY, DILATED, 1C, WITH OR WITHOUT LEFT VENTRICULAR NONCOMPACTION; Cardiomyopathy, dilated, 1C, with or without LVNC. Identifiers: Orphanet 154, Orphanet 54260, MedGen C1832244, MONDO:0011094, OMIM 601493.

Allele frequency attached by ClinVar (database versions not stated): gnomAD exomes 0.00003 and 0.00002; gnomAD 0.00001; ExAC 0.00002.
gnomAD v4.1: 29 of 1,602,356 alleles (0.0018%); highest among the groups gnomAD compares: East Asian, 0.0045%; no homozygotes.

Submissions (3):

Labcorp Genetics (formerly Invitae), Labcorp
Classification: Uncertain significance for Myofibrillar myopathy 4. Last evaluated: 2025-02-02. Review status: criteria provided, single submitter. Criteria: Invitae Variant Classification Sherloc (09022015). Collection method: clinical testing. Allele origin: germline.
Comment: The LDB3 gene has multiple clinically relevant transcripts. This variant occurs in alternate transcript NM_007078.3, and corresponds to NM_001080116.1:c.321+1285G>A in the primary transcript. This sequence change replaces alanine, which is neutral and non-polar, with threonine, which is neutral and polar, at codon 110 of the LDB3 protein (p.Ala110Thr). This variant is present in population databases (rs768737496, gnomAD 0.005%). This variant has not been reported in the literature in individuals affected with LDB3-related conditions. ClinVar contains an entry for this variant (Variation ID: 201835). Experimental studies and prediction algorithms are not available or were not evaluated, and the functional significance of this variant is currently unknown. Algorithms developed to predict the effect of sequence changes on RNA splicing suggest that this variant is not likely to affect RNA splicing. In summary, the available evidence is currently insufficient to determine the role of this variant in disease. Therefore, it has been classified as a Variant of Uncertain Significance.

Fulgent Genetics
Classification: Likely benign for Dilated cardiomyopathy 1C; Myofibrillar myopathy 4. Last evaluated: 2021-09-30. Review status: criteria provided, single submitter. Criteria: ACMG Guidelines, 2015. Collection method: clinical testing. Allele origin: unknown.

GeneDx
Classification: Likely benign. Last evaluated: 2014-05-15. Review status: criteria provided, single submitter. Criteria: GeneDx Variant Classification (06012015). Collection method: clinical testing. Allele origin: germline. Affected: yes.
Comment: This variant is considered likely benign or benign based on one or more of the following criteria: it is a conservative change, it occurs at a poorly conserved position in the protein, it is predicted to be benign by multiple in silico algorithms, and/or has population frequency not consistent with disease.